The following is an entry in ClinVar:

NM_006005.3(WFS1):c.996C>T (p.Ile332=)

Gene: WFS1 (wolframin ER transmembrane glycoprotein; plus strand). Cytogenetic location: 4p16.1.
Variant type: single nucleotide variant.
Coding change: c.996C>T on transcript NM_006005.3 (MANE Select); coding-DNA position 996, C replaced by T.
Protein change: p.Ile332=; no amino-acid change (isoleucine 332 retained).
Molecular consequence: synonymous variant.
Genome position (GRCh38, 1-based): chr4:6,300,791, C>T. VCF-style: chr4-6300791-C-T. GRCh37 (hg19) VCF-style: chr4-6302518-C-T.
Other names: c.996C>T, p.Ile332= (NM_001145853.1).
Identifiers: ClinVar variation 228240 (VCV000228240.7), dbSNP rs138674328, ClinGen allele CA2839188.

ClinVar aggregate classification (germline): Likely benign. Review status: criteria provided, multiple submitters, no conflicts (2 of 4 stars). 3 submissions from 3 submitters: Likely benign (3). Last evaluated 2023-11-21.

Conditions:
Wolfram syndrome 1 (WFS1). Identifiers: Orphanet 3463, MedGen C4551693, MONDO:0009101, OMIM 222300.

Allele frequency attached by ClinVar (database versions not stated): TOPMed 0.00001; 1000 Genomes Project 30x 0.00016; 1000 Genomes Project 0.00020.
gnomAD v4.1: 21 of 1,613,916 alleles (0.0013%); highest among the groups gnomAD compares: South Asian, 0.0077%; no homozygotes.

Submissions (3):

Blueprint Genetics
Classification: Likely benign. Last evaluated: 2023-11-21. Review status: criteria provided, single submitter. Criteria: ACMG Guidelines, 2015. Collection method: clinical testing. Allele origin: germline.

Laboratory for Molecular Medicine, Mass General Brigham Personalized Medicine
Classification: Likely benign. Last evaluated: 2015-01-29. Review status: criteria provided, single submitter. Criteria: LMM Criteria. Collection method: clinical testing. Allele origin: germline. Observed: 2 variant alleles.
Comment: p.Ile332Ile in exon 8 of WFS1: This variant is not expected to have clinical sig nificance because it does not alter an amino acid residue and is not located wit hin the splice consensus sequence. It has been identified in 4/121406 chromosome s by the Exome Aggregation Consortium (ExAC; dbS NP rs138674328).

Clinical Genomics, Uppaluri K&H Personalized Medicine Clinic
Classification: Likely benign for Wolfram syndrome 1. Review status: criteria provided, single submitter. Criteria: K & H Uppaluri Personalized Medicine Clinic Variant Classification & Assertion Criteria_Updated V.1. Collection method: research. Allele origin: unknown. Inheritance: Autosomal recessive inheritance.
Comment: Potent mutations in WFS1 gene are associated with Wolfram's syndrome, an autosomal recessive condition, which cause diabetes mellitus, diabetes insipidus, deafness and optic atrophy.However no sufficient evidence is found to ascertain the role of this particular variant rs138674328 in Wolfram's syndrome yet.

Literature cited by the submitters: PubMed 20738327 (cited by Clinical Genomics, Uppaluri K&H Personalized Medicine Clinic); PubMed 33879153 (cited by Clinical Genomics, Uppaluri K&H Personalized Medicine Clinic); PubMed 12955714 (cited by Clinical Genomics, Uppaluri K&H Personalized Medicine Clinic); PubMed 18060660 (cited by Clinical Genomics, Uppaluri K&H Personalized Medicine Clinic); PubMed 20301750 (cited by Clinical Genomics, Uppaluri K&H Personalized Medicine Clinic); PubMed 17603484 (cited by Clinical Genomics, Uppaluri K&H Personalized Medicine Clinic).